The following is an entry in ClinVar:

ClinVar aggregate classification (germline): Uncertain significance. Review status: criteria provided, multiple submitters, no conflicts (2 of 4 stars). 4 submissions from 4 submitters: Uncertain significance (4). Last evaluated 2026-06-03.

Conditions:
Cardiovascular phenotype. Identifiers: MedGen CN230736.
Cardiomyopathy (CMYO). Also called: Cardiomyopathies. Identifiers: Orphanet 167848, MedGen C0878544, MONDO:0004994, HP:0001638. Inheritance: Various modes of inheritance.
Catecholaminergic polymorphic ventricular tachycardia (CVPT). Also called: Catecholamine-induced polymorphic ventricular tachycardia. Identifiers: Orphanet 3286, MedGen C5574922, MONDO:0017990.
Catecholaminergic polymorphic ventricular tachycardia 1. Also called: VENTRICULAR TACHYCARDIA, STRESS-INDUCED POLYMORPHIC 1; VENTRICULAR TACHYCARDIA, CATECHOLAMINERGIC POLYMORPHIC, 1, WITH OR WITHOUT ATRIAL DYSFUNCTION AND/OR DILATED CARDIOMYOPATHY; RYR2-Related Catecholaminergic Polymorphic Ventricular Tachycardia. Identifiers: Orphanet 3286, MedGen C1631597, MONDO:0011484, OMIM 604772.

Allele frequency attached by ClinVar (database versions not stated): ExAC 0.00001; gnomAD exomes 0.00001 and below 0.00001; TOPMed below 0.00001.
gnomAD v4.1: 4 of 1,613,874 alleles (0.00025%); highest among the groups gnomAD compares: Non-Finnish European, 0.00034%; no homozygotes.

Submissions (4):

Ambry Genetics
Classification: Uncertain significance for Cardiovascular phenotype. Last evaluated: 2026-06-03. Review status: criteria provided, single submitter. Criteria: Ambry Variant Classification Scheme 2023. Collection method: clinical testing. Allele origin: germline.

Labcorp Genetics (formerly Invitae), Labcorp
Classification: Uncertain significance for Catecholaminergic polymorphic ventricular tachycardia 1. Last evaluated: 2024-10-19. Review status: criteria provided, single submitter. Criteria: Invitae Variant Classification Sherloc (09022015). Collection method: clinical testing. Allele origin: germline.
Comment: This sequence change replaces glycine, which is neutral and non-polar, with cysteine, which is neutral and slightly polar, at codon 2332 of the RYR2 protein (p.Gly2332Cys). This variant is present in population databases (rs766508848, gnomAD 0.0009%). This variant has not been reported in the literature in individuals affected with RYR2-related conditions. ClinVar contains an entry for this variant (Variation ID: 925843). Invitae Evidence Modeling of protein sequence and biophysical properties (such as structural, functional, and spatial information, amino acid conservation, physicochemical variation, residue mobility, and thermodynamic stability) indicates that this missense variant is expected to disrupt RYR2 protein function with a positive predictive value of 95%. In summary, the available evidence is currently insufficient to determine the role of this variant in disease. Therefore, it has been classified as a Variant of Uncertain Significance.

All of Us Research Program, National Institutes of Health
Classification: Uncertain significance for Catecholaminergic polymorphic ventricular tachycardia. Last evaluated: 2024-04-17. Review status: criteria provided, single submitter. Criteria: ACMG Guidelines, 2015. Collection method: clinical testing. Allele origin: germline. Inheritance: Autosomal dominant inheritance. Observed: 6 variant alleles, 6 heterozygotes.
Comment: This missense variant replaces glycine with cysteine at codon 2332 of the RYR2 protein. Computational prediction tool suggests that this variant may have deleterious impact on protein structure and function (internally defined REVEL score threshold >=0.7, PMID: 27666373). Splice site prediction tools suggest that this variant may not impact RNA splicing. To our knowledge, functional studies have not been performed for this variant. This variant has not been reported in individuals affected with cardiovascular disorders in the literature. This variant has been identified in 1/249134 chromosomes in the general population by the Genome Aggregation Database (gnomAD). The available evidence is insufficient to determine the role of this variant in disease conclusively. Therefore, this variant is classified as a Variant of Uncertain Significance.

This study involves interpretation of variants in research participants for the purpose of population health screening. Participant phenotype was not available at the time of variant classification. Additional details can be found in publication PMID: 35346344, PMCID: PMC8962531

Color Diagnostics, LLC DBA Color Health
Classification: Uncertain significance for Cardiomyopathy. Last evaluated: 2024-02-15. Review status: criteria provided, single submitter. Criteria: ACMG Guidelines, 2015. Collection method: clinical testing. Allele origin: germline.
Comment: This missense variant replaces glycine with cysteine at codon 2332 of the RYR2 protein. Computational prediction suggests that this variant may have deleterious impact on protein structure and function. To our knowledge, functional studies have not been reported for this variant. This variant has not been reported in individuals affected with RYR2-related disorders in the literature. This variant has been identified in 1/249134 chromosomes in the general population by the Genome Aggregation Database (gnomAD). The available evidence is insufficient to determine the role of this variant in disease conclusively. Therefore, this variant is classified as a Variant of Uncertain Significance.

NM_001035.3(RYR2):c.6994G>T (p.Gly2332Cys)

Gene: RYR2 (ryanodine receptor 2; plus strand). Cytogenetic location: 1q43.
Variant type: single nucleotide variant.
Coding change: c.6994G>T on transcript NM_001035.3 (MANE Select); coding-DNA position 6994, G replaced by T.
Protein change: p.Gly2332Cys; replaces glycine 2332 with cysteine.
Molecular consequence: missense variant.
Genome position (GRCh38, 1-based): chr1:237,639,080, G>T. VCF-style: chr1-237639080-G-T. GRCh37 (hg19) VCF-style: chr1-237802380-G-T.
Other names: c.6994G>T (NM_001035.2); short protein forms G2332C.
Identifiers: ClinVar variation 925843 (VCV000925843.18), dbSNP rs766508848, ClinGen allele CA087261.